The following is an entry in ClinVar:

ClinVar aggregate classification (germline): Conflicting classifications of pathogenicity. Review status: criteria provided, conflicting classifications (1 of 4 stars). 4 submissions from 4 submitters: Uncertain significance (2); Likely benign (1). 1 of the submissions does not count toward it. Last evaluated 2025-08-26.

Conditions:
Hereditary cancer-predisposing syndrome. Also called: Tumor predisposition; Hereditary Cancer Syndrome; Hereditary neoplastic syndrome; Neoplastic Syndromes, Hereditary. Identifiers: Orphanet 140162, MedGen C0027672, MeSH D009386, MONDO:0015356.
Ataxia-telangiectasia syndrome (AT). Also called: Ataxia telangiectasia (A-T); LOUIS-BAR SYNDROME; Cerebello-oculocutaneous telangiectasia; Immunodeficiency with ataxia telangiectasia; ATAXIA-TELANGIECTASIA, COMPLEMENTATION GROUP A; ATAXIA-TELANGIECTASIA, FRESNO VARIANT. Identifiers: Orphanet 100, MedGen C0004135, MONDO:0008840, OMIM 208900.

gnomAD v4.1: 1 of 1,613,674 alleles (0.000062%); highest among the groups gnomAD compares: Non-Finnish European, 0.000085%; no homozygotes.

Submissions (4):

Ambry Genetics
Classification: Likely benign for Hereditary cancer-predisposing syndrome. Last evaluated: 2025-08-26. Review status: criteria provided, single submitter. Criteria: Ambry Variant Classification Scheme 2023. Collection method: clinical testing. Allele origin: germline.

Labcorp Genetics (formerly Invitae), Labcorp
Classification: Uncertain significance for Ataxia-telangiectasia syndrome. Last evaluated: 2024-07-09. Review status: criteria provided, single submitter. Criteria: Invitae Variant Classification Sherloc (09022015). Collection method: clinical testing. Allele origin: germline.
Comment: This sequence change replaces threonine, which is neutral and polar, with alanine, which is neutral and non-polar, at codon 761 of the ATM protein (p.Thr761Ala). This variant is not present in population databases (gnomAD no frequency). This variant has not been reported in the literature in individuals affected with ATM-related conditions. ClinVar contains an entry for this variant (Variation ID: 233578). An algorithm developed to predict the effect of missense changes on protein structure and function (PolyPhen-2) suggests that this variant is likely to be tolerated. In summary, the available evidence is currently insufficient to determine the role of this variant in disease. Therefore, it has been classified as a Variant of Uncertain Significance.

Color Diagnostics, LLC DBA Color Health
Classification: Uncertain significance for Hereditary cancer-predisposing syndrome. Last evaluated: 2019-03-26. Review status: criteria provided, single submitter. Criteria: ACMG Guidelines, 2015. Collection method: clinical testing. Allele origin: germline.

Natera, Inc.
Classification: Uncertain significance for Ataxia-telangiectasia. Last evaluated: 2020-09-16. Review status: no assertion criteria provided. Collection method: clinical testing. Allele origin: germline. Not counted in ClinVar's aggregate classification.

NM_000051.4(ATM):c.2281A>G (p.Thr761Ala)

Gene: ATM (ATM serine/threonine kinase; plus strand). Cytogenetic location: 11q22.3.
Variant type: single nucleotide variant.
Coding change: c.2281A>G on transcript NM_000051.4 (MANE Select); coding-DNA position 2281, A replaced by G.
Protein change: p.Thr761Ala; replaces threonine 761 with alanine.
Molecular consequence: missense variant.
Genome position (GRCh38, 1-based): chr11:108,257,511, A>G. VCF-style: chr11-108257511-A-G. GRCh37 (hg19) VCF-style: chr11-108128238-A-G.
Other names: c.2281A>G, p.Thr761Ala (NM_001351834.2); short protein forms T761A.
Identifiers: ClinVar variation 233578 (VCV000233578.17), dbSNP rs2235011, ClinGen allele CA10579046.